The following is an entry in ClinVar:

ClinVar aggregate classification (germline): Uncertain significance. Review status: criteria provided, multiple submitters, no conflicts (2 of 4 stars). 3 submissions from 3 submitters: Uncertain significance (3). Last evaluated 2022-07-19.

Conditions:
Muscular dystrophy-dystroglycanopathy type B6 (MDDGB6). Also called: MUSCULAR DYSTROPHY-DYSTROGLYCANOPATHY (CONGENITAL WITH IMPAIRED INTELLECTUAL DEVELOPMENT), TYPE B, 6; MUSCULAR DYSTROPHY, CONGENITAL, LARGE-RELATED; MUSCULAR DYSTROPHY, CONGENITAL, TYPE 1D. Identifiers: MedGen C1837229, MONDO:0012138, OMIM 608840.

Allele frequency attached by ClinVar (database versions not stated): gnomAD exomes 0.00003 and 0.00006; ExAC 0.00006; gnomAD 0.00006; TOPMed 0.00008.
gnomAD v4.1: 56 of 1,614,056 alleles (0.0035%); highest among the groups gnomAD compares: Middle Eastern, 0.049%; 1 homozygote.

Submissions (3):

Labcorp Genetics (formerly Invitae), Labcorp
Classification: Uncertain significance for Muscular dystrophy-dystroglycanopathy type B6. Last evaluated: 2022-07-19. Review status: criteria provided, single submitter. Criteria: Invitae Variant Classification Sherloc (09022015). Collection method: clinical testing. Allele origin: germline.
Comment: This sequence change replaces alanine, which is neutral and non-polar, with glycine, which is neutral and non-polar, at codon 752 of the LARGE1 protein (p.Ala752Gly). This variant is present in population databases (rs200024875, gnomAD 0.02%). This variant has not been reported in the literature in individuals affected with LARGE1-related conditions. ClinVar contains an entry for this variant (Variation ID: 162585). Algorithms developed to predict the effect of missense changes on protein structure and function (SIFT, PolyPhen-2, Align-GVGD) all suggest that this variant is likely to be tolerated. In summary, the available evidence is currently insufficient to determine the role of this variant in disease. Therefore, it has been classified as a Variant of Uncertain Significance.

Revvity Omics, Revvity
Classification: Uncertain significance. Last evaluated: 2019-04-27. Review status: criteria provided, single submitter. Criteria: ACMG Guidelines, 2015. Collection method: clinical testing. Allele origin: germline.

GeneDx
Classification: Uncertain significance. Last evaluated: 2017-08-14. Review status: criteria provided, single submitter. Criteria: GeneDx Variant Classification (06012015). Collection method: clinical testing. Allele origin: germline. Affected: yes.
Comment: The A752G variant has not been published as a pathogenic variant, nor has it been reported as a benign variant to our knowledge. It was not observed in approximately 6,500 individuals of European and African American ancestry in the NHLBI Exome Sequencing Project, indicating it is not a common benign variant in these populations. This substitution occurs at a position that is conserved across species. However, the A752G variant is a conservative amino acid substitution, which is not likely to impact secondary protein structure as these residues share similar properties. In silico analysis is inconsistent in its predictions as to whether or not the variant is damaging to the protein structure/function. Therefore, based on the currently available information, it is unclear whether this variant is a pathogenic variant or a rare benign variant.

NM_133642.5(LARGE1):c.2255C>G (p.Ala752Gly)

Gene: LARGE1 (LARGE xylosyl- and glucuronyltransferase 1; minus strand). Cytogenetic location: 22q12.3.
Variant type: single nucleotide variant.
Coding change: c.2255C>G on transcript NM_133642.5 (MANE Select); coding-DNA position 2255, C replaced by G.
Protein change: p.Ala752Gly; replaces alanine 752 with glycine.
Molecular consequence: missense variant.
Genome position (GRCh38, 1-based): chr22:33,274,443, G>C on the plus strand (C>G on the coding strand, the complement: LARGE1 is on the minus strand). VCF-style: chr22-33274443-G-C. GRCh37 (hg19) VCF-style: chr22-33670429-G-C.
Other names: p.A752G:GCC>GGC; c.2255C>G, p.Ala752Gly (NM_001362949.2, NM_001362951.2, NM_001362953.2 and 4 more transcripts); c.2108C>G, p.Ala703Gly (NM_001378627.1, NM_001378628.1); c.2099C>G, p.Ala700Gly (NM_001378629.1); c.1652C>G, p.Ala551Gly (NM_001378630.1); c.1349C>G, p.Ala450Gly (NM_001378631.1); short protein forms A752G, A450G, A551G, A700G, A703G.
Identifiers: ClinVar variation 162585 (VCV000162585.9), dbSNP rs200024875, ClinGen allele CA295416.